The following is an entry in ClinVar:

ClinVar aggregate classification (germline): Uncertain significance. Review status: criteria provided, multiple submitters, no conflicts (2 of 4 stars). 3 submissions from 3 submitters: Uncertain significance (3). Last evaluated 2022-08-02.

Conditions:
Inborn genetic diseases. Identifiers: MedGen C0950123, MeSH D030342.
Pyruvate dehydrogenase E2 deficiency (PDHDD). Also called: Dihydrolipoamide Acetyltransferase (E2) Deficiency; LACTIC ACIDEMIA DUE TO DEFECT OF E2 LIPOYL TRANSACETYLASE OF THE PYRUVATE DEHYDROGENASE COMPLEX. Identifiers: Orphanet 765, Orphanet 79244, MedGen C1855565, MONDO:0009502, OMIM 245348.

Allele frequency attached by ClinVar (database versions not stated): TOPMed below 0.00001.
gnomAD v4.1: 11 of 1,613,332 alleles (0.00068%); highest among the groups gnomAD compares: Non-Finnish European, 0.00085%; no homozygotes.

Submissions (3):

Labcorp Genetics (formerly Invitae), Labcorp
Classification: Uncertain significance for Pyruvate dehydrogenase E2 deficiency. Last evaluated: 2022-08-02. Review status: criteria provided, single submitter. Criteria: Invitae Variant Classification Sherloc (09022015). Collection method: clinical testing. Allele origin: germline.
Comment: This sequence change replaces arginine, which is basic and polar, with proline, which is neutral and non-polar, at codon 56 of the DLAT protein (p.Arg56Pro). This variant is present in population databases (no rsID available, gnomAD 0.002%). This variant has not been reported in the literature in individuals affected with DLAT-related conditions. ClinVar contains an entry for this variant (Variation ID: 806735). Advanced modeling of protein sequence and biophysical properties (such as structural, functional, and spatial information, amino acid conservation, physicochemical variation, residue mobility, and thermodynamic stability) performed at Invitae indicates that this missense variant is not expected to disrupt DLAT protein function. In summary, the available evidence is currently insufficient to determine the role of this variant in disease. Therefore, it has been classified as a Variant of Uncertain Significance.

Ambry Genetics
Classification: Uncertain significance for Inborn genetic diseases. Last evaluated: 2021-12-07. Review status: criteria provided, single submitter. Criteria: Ambry Variant Classification Scheme 2023. Collection method: clinical testing. Allele origin: germline.

CeGaT Center for Human Genetics Tuebingen
Classification: Uncertain significance. Last evaluated: 2016-06-01. Review status: criteria provided, single submitter. Criteria: CeGaT Center For Human Genetics Tuebingen Variant Classification Criteria Version 2. Collection method: clinical testing. Allele origin: germline. Affected: yes. Observed: 1 variant allele.

NM_001931.5(DLAT):c.167G>C (p.Arg56Pro)

Gene: DLAT (dihydrolipoamide S-acetyltransferase; plus strand). Cytogenetic location: 11q23.1.
Variant type: single nucleotide variant.
Coding change: c.167G>C on transcript NM_001931.5 (MANE Select); coding-DNA position 167, G replaced by C.
Protein change: p.Arg56Pro; replaces arginine 56 with proline.
Molecular consequence: missense variant. On other transcripts: synonymous variant (1), 5 prime UTR variant (1), non-coding transcript variant (1), intron variant (1).
Genome position (GRCh38, 1-based): chr11:112,025,639, G>C. VCF-style: chr11-112025639-G-C. GRCh37 (hg19) VCF-style: chr11-111896363-G-C.
Other names: c.167G>C, p.Arg56Pro (NM_001372031.1, NM_001372032.1, NM_001372033.1 and 6 more transcripts); c.126G>C, p.Pro42= (NM_001372036.1); c.-300G>C (NM_001372042.1); c.111+15G>C (NM_001372037.1); c.167G>C (NM_001931.4); short protein forms R56P.
Identifiers: ClinVar variation 806735 (VCV000806735.47), dbSNP rs782260343, ClinGen allele CA382595425.